The following is an entry in ClinVar:

NM_000038.6(APC):c.4263T>G (p.Ser1421Arg)

Gene: APC (APC regulator of Wnt signaling pathway; plus strand). Cytogenetic location: 5q22.2.
Variant type: single nucleotide variant.
Coding change: c.4263T>G on transcript NM_000038.6 (MANE Select); coding-DNA position 4263, T replaced by G.
Protein change: p.Ser1421Arg; replaces serine 1421 with arginine.
Molecular consequence: missense variant.
Genome position (GRCh38, 1-based): chr5:112,839,857, T>G. VCF-style: chr5-112839857-T-G. GRCh37 (hg19) VCF-style: chr5-112175554-T-G.
Other names: c.4263T>G, p.Ser1421Arg (NM_001127510.3, NM_001354895.2); c.4209T>G, p.Ser1403Arg (NM_001127511.3); c.4317T>G, p.Ser1439Arg (NM_001354896.2); c.4293T>G, p.Ser1431Arg (NM_001354897.2); c.4188T>G, p.Ser1396Arg (NM_001354898.2); c.4179T>G, p.Ser1393Arg (NM_001354899.2); c.4140T>G, p.Ser1380Arg (NM_001354900.2); c.4086T>G, p.Ser1362Arg (NM_001354901.2); and 5 more; short protein forms S1138R, S1261R, S1295R, S1320R, S1330R, S1362R, S1380R, S1393R.
Identifiers: ClinVar variation 1318808 (VCV001318808.10), dbSNP rs2149910272, ClinGen allele CA16030672.

ClinVar aggregate classification (germline): Uncertain significance. Review status: criteria provided, multiple submitters, no conflicts (2 of 4 stars). 3 submissions from 3 submitters: Uncertain significance (3). Last evaluated 2026-07-06.

Conditions:
Familial adenomatous polyposis 1 (FAP1). Also called: FAMILIAL ADENOMATOUS POLYPOSIS 1, ATTENUATED; POLYPOSIS, ADENOMATOUS INTESTINAL. Identifiers: MedGen C2713442, MONDO:0021056, OMIM 175100. Disease mechanism: loss of function.
Hereditary cancer-predisposing syndrome. Also called: Neoplastic Syndromes, Hereditary; Tumor predisposition; Hereditary Cancer Syndrome; Hereditary neoplastic syndrome. Identifiers: Orphanet 140162, MedGen C0027672, MeSH D009386, MONDO:0015356.

Submissions (3):

Ambry Genetics
Classification: Uncertain significance for Hereditary cancer-predisposing syndrome. Last evaluated: 2026-07-06. Review status: criteria provided, single submitter. Criteria: Ambry Variant Classification Scheme 2023. Collection method: clinical testing. Allele origin: germline.
Comment: The p.S1421R variant (also known as c.4263T>G), located in coding exon 15 of the APC gene, results from a T to G substitution at nucleotide position 4263. The serine at codon 1421 is replaced by arginine, an amino acid with dissimilar properties. This amino acid position is conserved. In addition, in silico predictors for this gene do not accurately predict pathogenicity. Based on the available evidence, the clinical significance of this variant remains unclear.

GeneDx
Classification: Uncertain significance. Last evaluated: 2023-10-24. Review status: criteria provided, single submitter. Criteria: GeneDx Variant Classification Process June 2021. Collection method: clinical testing. Allele origin: germline. Affected: yes.
Comment: Not observed at significant frequency in large population cohorts (gnomAD); In silico analysis supports that this missense variant has a deleterious effect on protein structure/function; Has not been previously published as pathogenic or benign to our knowledge; This variant is associated with the following publications: (PMID: 18199528)

Labcorp Genetics (formerly Invitae), Labcorp
Classification: Uncertain significance for Familial adenomatous polyposis 1. Last evaluated: 2022-08-22. Review status: criteria provided, single submitter. Criteria: Invitae Variant Classification Sherloc (09022015). Collection method: clinical testing. Allele origin: germline.
Comment: This variant has not been reported in the literature in individuals affected with APC-related conditions. In summary, the available evidence is currently insufficient to determine the role of this variant in disease. Therefore, it has been classified as a Variant of Uncertain Significance. Algorithms developed to predict the effect of missense changes on protein structure and function (SIFT, PolyPhen-2, Align-GVGD) all suggest that this variant is likely to be disruptive. ClinVar contains an entry for this variant (Variation ID: 1318808). This variant is not present in population databases (gnomAD no frequency). This sequence change replaces serine, which is neutral and polar, with arginine, which is basic and polar, at codon 1421 of the APC protein (p.Ser1421Arg).